The following is an entry in ClinVar:

NM_001145809.2(MYH14):c.1725G>A (p.Ser575=)

Gene: MYH14 (myosin heavy chain 14; plus strand). Cytogenetic location: 19q13.33.
Variant type: single nucleotide variant.
Coding change: c.1725G>A on transcript NM_001145809.2 (MANE Select); coding-DNA position 1725, G replaced by A.
Protein change: p.Ser575=; no amino-acid change (serine 575 retained).
Molecular consequence: synonymous variant.
Genome position (GRCh38, 1-based): chr19:50,250,583, G>A. VCF-style: chr19-50250583-G-A. GRCh37 (hg19) VCF-style: chr19-50753840-G-A.
Other names: c.1725G>A (NM_001145809.1); c.1725G>A, p.Ser575= (NM_001077186.2); c.1701G>A, p.Ser567= (NM_024729.4).
Identifiers: ClinVar variation 2430908 (VCV002430908.2), dbSNP rs751876589, ClinGen allele CA9592705.
Genomic context (GRCh38, chr19:50,250,583, plus strand): 5'-CCCTGGACTCCTGGCCCTGCTGGATGAGGAGTGCTGGTTCCCGAAGGCCACAGACAAGTC[G>A]TTTGTGGAGAAGGTAGCCCAGGAGCAGGGCGGCCACCCCAAGTTCCAGCGGCCGAGGCAC-3'
Protein context (NP_001139281.1, residues 565-585): ECWFPKATDK[Ser575=]FVEKVAQEQG

ClinVar aggregate classification (germline): Likely benign. Review status: criteria provided, multiple submitters, no conflicts (2 of 4 stars). 2 submissions from 2 submitters: Likely benign (2). Last evaluated 2026-05-26.

Conditions:
MYH14-related disorder. Also called: MYH14-related condition.

Allele frequency attached by ClinVar (database versions not stated): TOPMed 0.00003; ExAC 0.00004; gnomAD 0.00005.
gnomAD v4.1: 166 of 1,613,948 alleles (0.01%); highest among the groups gnomAD compares: South Asian, 0.033%; no homozygotes.

Submissions (2):

PreventionGenetics, part of Exact Sciences
Classification: Likely benign for MYH14-related condition. Last evaluated: 2026-05-26. Review status: criteria provided, single submitter. Criteria: ACMG Guidelines, 2015. Collection method: clinical testing. Allele origin: germline.
Comment: This variant is classified as likely benign based on ACMG/AMP sequence variant interpretation guidelines (Richards et al. 2015 PMID: 25741868, with internal and published modifications).

GeneDx
Classification: Likely benign. Last evaluated: 2020-12-18. Review status: criteria provided, single submitter. Criteria: GeneDx Variant Classification Process June 2021. Collection method: clinical testing. Allele origin: germline. Affected: yes.
Comment: See Variant Classification Assertion Criteria.